The following is an entry in ClinVar:

ClinVar aggregate classification (germline): Uncertain significance (1 of 4 stars; one submission).

Conditions:
Werner syndrome (WRN). Identifiers: Orphanet 902, MedGen C0043119, MONDO:0010196, OMIM 277700.

Allele frequency attached by ClinVar (database versions not stated): gnomAD exomes below 0.00001.
gnomAD v4.1: 1 of 1,613,300 alleles (0.000062%); highest among the groups gnomAD compares: Non-Finnish European, 0.000085%; no homozygotes.

Submission:

Labcorp Genetics (formerly Invitae), Labcorp
Classification: Uncertain significance for Werner syndrome. Last evaluated: 2020-03-03. Review status: criteria provided, single submitter. Criteria: Invitae Variant Classification Sherloc (09022015). Collection method: clinical testing. Allele origin: germline.
Comment: This sequence change replaces leucine with proline at codon 619 of the WRN protein (p.Leu619Pro). The leucine residue is highly conserved and there is a moderate physicochemical difference between leucine and proline. This variant is not present in population databases (ExAC no frequency). This variant has not been reported in the literature in individuals with WRN-related disease. Algorithms developed to predict the effect of missense changes on protein structure and function (SIFT, PolyPhen-2, Align-GVGD) all suggest that this variant is likely to be disruptive, but these predictions have not been confirmed by published functional studies and their clinical significance is uncertain. In summary, the available evidence is currently insufficient to determine the role of this variant in disease. Therefore, it has been classified as a Variant of Uncertain Significance.

NM_000553.6(WRN):c.1856T>C (p.Leu619Pro)

Gene: WRN (WRN RecQ like helicase; plus strand). Cytogenetic location: 8p12.
Variant type: single nucleotide variant.
Coding change: c.1856T>C on transcript NM_000553.6 (MANE Select); coding-DNA position 1856, T replaced by C.
Protein change: p.Leu619Pro; replaces leucine 619 with proline.
Molecular consequence: missense variant.
Genome position (GRCh38, 1-based): chr8:31,091,856, T>C. VCF-style: chr8-31091856-T-C. GRCh37 (hg19) VCF-style: chr8-30949372-T-C.
Other names: short protein forms L619P.
Identifiers: ClinVar variation 576359 (VCV000576359.6), dbSNP rs1563345519, ClinGen allele CA370928422.